The following is an entry in ClinVar:

NM_002430.3(MN1):c.773A>T (p.His258Leu)

Gene: MN1 (MN1 proto-oncogene, transcriptional regulator; minus strand). Cytogenetic location: 22q12.1.
Variant type: single nucleotide variant.
Coding change: c.773A>T on transcript NM_002430.3 (MANE Select); coding-DNA position 773, A replaced by T.
Protein change: p.His258Leu; replaces histidine 258 with leucine.
Molecular consequence: missense variant.
Genome position (GRCh38, 1-based): chr22:27,799,771, T>A on the plus strand (A>T on the coding strand, the complement: MN1 is on the minus strand). VCF-style: chr22-27799771-T-A. GRCh37 (hg19) VCF-style: chr22-28195759-T-A.
Other names: short protein forms H258L.
Identifiers: ClinVar variation 2629873 (VCV002629873.1), dbSNP rs2517773948, ClinGen allele CA411050169.

ClinVar aggregate classification (germline): Uncertain significance (1 of 4 stars; one submission).

Conditions:
MN1-related disorder. Also called: MN1-related condition.

Submission:

PreventionGenetics, part of Exact Sciences
Classification: Uncertain significance for MN1-related condition. Last evaluated: 2023-01-24. Review status: criteria provided, single submitter. Criteria: ACMG Guidelines, 2015. Collection method: clinical testing. Allele origin: germline.
Comment: The MN1 c.773A>T variant is predicted to result in the amino acid substitution p.His258Leu. To our knowledge, this variant has not been reported in the literature or in a large population database, indicating this variant is rare. At this time, the clinical significance of this variant is uncertain due to the absence of conclusive functional and genetic evidence.